The following is an entry in ClinVar:

ClinVar aggregate classification (germline): Likely benign (1 of 4 stars; one submission).

Submission:

GeneDx
Classification: Likely benign. Last evaluated: 2016-03-25. Review status: criteria provided, single submitter. Criteria: GeneDx Variant Classification (06012015). Collection method: clinical testing. Allele origin: germline. Affected: yes.
Comment: This variant is considered likely benign or benign based on one or more of the following criteria: it is a conservative change, it occurs at a poorly conserved position in the protein, it is predicted to be benign by multiple in silico algorithms, and/or has population frequency not consistent with disease.

NM_002949.4(MRPL12):c.75-6G>A

Gene: MRPL12 (mitochondrial ribosomal protein L12; plus strand). Cytogenetic location: 17q25.3.
Variant type: single nucleotide variant.
Coding change: c.75-6G>A on transcript NM_002949.4 (MANE Select); 6 bases into the intron before coding-DNA position 75, G replaced by A.
Molecular consequence: intron variant.
Genome position (GRCh38, 1-based): chr17:81,704,238, G>A. VCF-style: chr17-81704238-G-A. GRCh37 (hg19) VCF-style: chr17-79671268-G-A.
Identifiers: ClinVar variation 384219 (VCV000384219.1), dbSNP rs534821836, ClinGen allele CA16608697.